The following is an entry in ClinVar:

NM_014712.3(SETD1A):c.1606C>G (p.His536Asp)

Gene: SETD1A (SET domain containing 1A, histone lysine methyltransferase; plus strand). Cytogenetic location: 16p11.2.
Variant type: single nucleotide variant.
Coding change: c.1606C>G on transcript NM_014712.3 (MANE Select); coding-DNA position 1606, C replaced by G.
Protein change: p.His536Asp; replaces histidine 536 with aspartic acid.
Molecular consequence: missense variant.
Genome position (GRCh38, 1-based): chr16:30,965,348, C>G. VCF-style: chr16-30965348-C-G. GRCh37 (hg19) VCF-style: chr16-30976669-C-G.
Other names: short protein forms H536D.
Identifiers: ClinVar variation 1334686 (VCV001334686.4), dbSNP rs932655804, ClinGen allele CA395655276.

ClinVar aggregate classification (germline): Uncertain significance (1 of 4 stars; one submission).

Submission:

Greenwood Genetic Center Diagnostic Laboratories, Greenwood Genetic Center
Classification: Uncertain significance. Last evaluated: 2021-12-14. Review status: criteria provided, single submitter. Criteria: ACMG Guidelines, 2015. Collection method: clinical testing. Allele origin: germline. Affected: yes.
Comment: PM2